The following is an entry in ClinVar:

NM_004655.4(AXIN2):c.1295A>G (p.Glu432Gly)

Gene: AXIN2 (axin 2; minus strand). Cytogenetic location: 17q24.1.
Variant type: single nucleotide variant.
Coding change: c.1295A>G on transcript NM_004655.4 (MANE Select); coding-DNA position 1295, A replaced by G.
Protein change: p.Glu432Gly; replaces glutamic acid 432 with glycine.
Molecular consequence: missense variant.
Genome position (GRCh38, 1-based): chr17:65,537,741, T>C on the plus strand (A>G on the coding strand, the complement: AXIN2 is on the minus strand). VCF-style: chr17-65537741-T-C. GRCh37 (hg19) VCF-style: chr17-63533859-T-C.
Other names: c.1295A>G, p.Glu432Gly (NM_001363813.1); short protein forms E432G.
Identifiers: ClinVar variation 2770918 (VCV002770918.3), dbSNP rs2509417193, ClinGen allele CA400677797.

ClinVar aggregate classification (germline): Uncertain significance (1 of 4 stars; one submission).

Conditions:
Oligodontia-cancer predisposition syndrome. Also called: TOOTH AGENESIS-COLORECTAL CANCER SYNDROME. Identifiers: Orphanet 300576, MedGen C1837750, MONDO:0012075, OMIM 608615. Disease mechanism: loss of function.

Submission:

Labcorp Genetics (formerly Invitae), Labcorp
Classification: Uncertain significance for Oligodontia-cancer predisposition syndrome. Last evaluated: 2023-10-22. Review status: criteria provided, single submitter. Criteria: Invitae Variant Classification Sherloc (09022015). Collection method: clinical testing. Allele origin: germline.
Comment: This sequence change replaces glutamic acid, which is acidic and polar, with glycine, which is neutral and non-polar, at codon 432 of the AXIN2 protein (p.Glu432Gly). This variant is not present in population databases (gnomAD no frequency). This variant has not been reported in the literature in individuals affected with AXIN2-related conditions. Advanced modeling of protein sequence and biophysical properties (such as structural, functional, and spatial information, amino acid conservation, physicochemical variation, residue mobility, and thermodynamic stability) performed at Invitae indicates that this missense variant is expected to disrupt AXIN2 protein function. In summary, the available evidence is currently insufficient to determine the role of this variant in disease. Therefore, it has been classified as a Variant of Uncertain Significance.